The following is an entry in ClinVar:

NM_003126.4(SPTA1):c.2418G>A (p.Glu806=)

Gene: SPTA1 (spectrin alpha, erythrocytic 1; minus strand). Cytogenetic location: 1q23.1.
Variant type: single nucleotide variant.
Coding change: c.2418G>A on transcript NM_003126.4 (MANE Select); coding-DNA position 2418, G replaced by A.
Protein change: p.Glu806=; no amino-acid change (glutamic acid 806 retained).
Molecular consequence: synonymous variant.
Genome position (GRCh38, 1-based): chr1:158,662,748, C>T on the plus strand (G>A on the coding strand, the complement: SPTA1 is on the minus strand). VCF-style: chr1-158662748-C-T. GRCh37 (hg19) VCF-style: chr1-158632538-C-T.
Other names: p.Glu806=.
Identifiers: ClinVar variation 293016 (VCV000293016.30), dbSNP rs35318623, ClinGen allele CA1183416.

ClinVar aggregate classification (germline): Benign/Likely benign. Review status: criteria provided, multiple submitters, no conflicts (2 of 4 stars). 8 submissions from 6 submitters: Benign (4); Likely benign (4). Last evaluated 2026-01-21.

Conditions:
Hereditary spherocytosis type 3. Also called: Spherocytosis type 3; SPTA1-Related Spherocytosis. Identifiers: Orphanet 822, MedGen C2678338, MONDO:0010053, OMIM 270970.
Pyropoikilocytosis, hereditary. Also called: Pyropoikilocytosis. Identifiers: MedGen C0520739, MONDO:0009948, OMIM 266140, HP:0004839. Disease mechanism: loss of function.
Elliptocytosis 2 (EL2). Also called: ELLIPTOCYTOSIS, RHESUS-UNLINKED TYPE. Identifiers: Orphanet 288, MedGen C1851741, MONDO:0007533, OMIM 130600.

Allele frequency attached by ClinVar (database versions not stated): gnomAD exomes 0.00219 and 0.00522; ExAC 0.00617; 1000 Genomes Project 0.01937; 1000 Genomes Project 30x 0.02077; gnomAD 0.02096 and 0.02245; ESP Exome Variant Server 0.02133; TOPMed 0.02353.
gnomAD v4.1: 6,555 of 1,613,954 alleles (0.41%); highest among the groups gnomAD compares: African/African-American, 7.4%; 233 homozygotes.

Submissions (8):

Labcorp Genetics (formerly Invitae), Labcorp
Classification: Benign. Last evaluated: 2026-01-21. Review status: criteria provided, single submitter. Criteria: Invitae Variant Classification Sherloc (09022015). Collection method: clinical testing. Allele origin: germline.

ARUP Laboratories, Molecular Genetics and Genomics, ARUP Laboratories
Classification: Benign. Last evaluated: 2025-07-14. Review status: criteria provided, single submitter. Criteria: ARUP Molecular Germline Variant Investigation Process 2024. Collection method: clinical testing. Allele origin: germline.

Fulgent Genetics
Classification: Likely benign for Elliptocytosis 2; Pyropoikilocytosis, hereditary; Hereditary spherocytosis type 3. Last evaluated: 2021-12-23. Review status: criteria provided, single submitter. Criteria: ACMG Guidelines, 2015. Collection method: clinical testing. Allele origin: unknown.

Illumina Laboratory Services, Illumina
Classification: Likely benign for Pyropoikilocytosis, hereditary. Last evaluated: 2018-01-13. Review status: criteria provided, single submitter. Criteria: ICSL Variant Classification Criteria 13 December 2019. Collection method: clinical testing. Allele origin: germline.
Comment: This variant was observed in the ICSL laboratory as part of a predisposition screen in an ostensibly healthy population. It had not been previously curated by ICSL or reported in the Human Gene Mutation Database (HGMD: prior to June 1st, 2018), and was therefore a candidate for classification through an automated scoring system. Utilizing variant allele frequency, disease prevalence and penetrance estimates, and inheritance mode, an automated score was calculated to assess if this variant is too frequent to cause the disease. Based on the score and internal cut-off values, a variant classified as likely benign is not then subjected to further curation. The score for this variant resulted in a classification of likely benign for this disease.

Illumina Laboratory Services, Illumina
Classification: Likely benign for Hereditary spherocytosis type 3. Last evaluated: 2018-01-13. Review status: criteria provided, single submitter. Criteria: ICSL Variant Classification Criteria 13 December 2019. Collection method: clinical testing. Allele origin: germline.
Comment: the same text as in the submission from Illumina Laboratory Services, Illumina above.

Illumina Laboratory Services, Illumina
Classification: Benign for Elliptocytosis 2. Last evaluated: 2018-01-13. Review status: criteria provided, single submitter. Criteria: ICSL Variant Classification Criteria 13 December 2019. Collection method: clinical testing. Allele origin: germline.
Comment: This variant was observed in the ICSL laboratory as part of a predisposition screen in an ostensibly healthy population. It had not been previously curated by ICSL or reported in the Human Gene Mutation Database (HGMD: prior to June 1st, 2018), and was therefore a candidate for classification through an automated scoring system. Utilizing variant allele frequency, disease prevalence and penetrance estimates, and inheritance mode, an automated score was calculated to assess if this variant is too frequent to cause the disease. Based on the score and internal cut-off values, a variant classified as benign is not then subjected to further curation. The score for this variant resulted in a classification of benign for this disease.

Mayo Clinic Laboratories, Mayo Clinic
Classification: Benign. Last evaluated: 2016-08-25. Review status: criteria provided, single submitter. Criteria: ACMG Guidelines, 2015. Collection method: clinical testing. Allele origin: germline. Observed: 80 variant alleles.

Breakthrough Genomics
Classification: Likely benign. Review status: criteria provided, single submitter. Criteria: ACMG Guidelines, 2015. Collection method: not provided. Allele origin: germline. Inheritance: Autosomal recessive inheritance. Affected: yes.